The following is an entry in ClinVar:

ClinVar aggregate classification (germline): Likely pathogenic (1 of 4 stars; one submission).

Submission:

Dasa
Classification: Likely pathogenic. Last evaluated: 2025-06-28. Review status: criteria provided, single submitter. Criteria: DASA Assertion Criteria. Collection method: clinical testing. Allele origin: germline.
Comment: NM_022124.6(CDH23):c.7606C>T (p.Gln2536*) is a nonsense variant in CDH23 predicted to introduce a premature termination codon and is predicted to result in an absent or altered protein product. Loss of function is an established disease mechanism for CDH23-associated disorders. Also, this variant is absent from population databases. Based on the currently available evidence, this variant is classified as likely pathogenic.

NM_022124.6(CDH23):c.7606C>T (p.Gln2536Ter)

Gene: CDH23 (cadherin related 23; plus strand). Cytogenetic location: 10q22.1.
Variant type: single nucleotide variant.
Coding change: c.7606C>T on transcript NM_022124.6 (MANE Select); coding-DNA position 7606, C replaced by T.
Protein change: p.Gln2536Ter; replaces glutamine 2536 with a stop codon.
Molecular consequence: nonsense.
Genome position (GRCh38, 1-based): chr10:71,803,021, C>T. VCF-style: chr10-71803021-C-T. GRCh37 (hg19) VCF-style: chr10-73562778-C-T.
Other names: c.886C>T, p.Gln296Ter (NM_001171934.1, NM_001171933.1); short protein forms Q2536*, Q296*.
Identifiers: ClinVar variation 4885823 (VCV004885823.2).